The following is an entry in ClinVar:

ClinVar aggregate classification (germline): Conflicting classifications of pathogenicity. Review status: criteria provided, conflicting classifications (1 of 4 stars). 5 submissions from 5 submitters: Pathogenic (1); Likely pathogenic (2); Uncertain significance (1). 1 of the submissions does not count toward it. Last evaluated 2025-11-12.

Conditions:
Charcot-Marie-Tooth disease type 2. Also called: Charcot-Marie-Tooth type 2. Identifiers: Orphanet 64746, MedGen C0270914, MONDO:0018993.
Charcot-Marie-Tooth disease. Also called: Charcot-Marie-Tooth Hereditary Neuropathy; Charcot-Marie-Tooth Neuropathy. Identifiers: Orphanet 166, MedGen C0007959, MONDO:0015626.

Submissions (5):

Labcorp Genetics (formerly Invitae), Labcorp
Classification: Likely pathogenic for Charcot-Marie-Tooth disease type 2. Last evaluated: 2025-11-12. Review status: criteria provided, single submitter. Criteria: Invitae Variant Classification Sherloc (09022015). Collection method: clinical testing. Allele origin: germline.
Comment: This sequence change replaces methionine, which is neutral and non-polar, with threonine, which is neutral and polar, at codon 376 of the MFN2 protein (p.Met376Thr). This variant is not present in population databases (gnomAD no frequency). This missense change has been observed in individual(s) with autosomal dominant Charcot-Marie-Tooth (PMID: 16835246). ClinVar contains an entry for this variant (Variation ID: 637733). Invitae Evidence Modeling of protein sequence and biophysical properties (such as structural, functional, and spatial information, amino acid conservation, physicochemical variation, residue mobility, and thermodynamic stability) indicates that this missense variant is expected to disrupt MFN2 protein function with a positive predictive value of 95%. This variant disrupts the p.Met376 amino acid residue in MFN2. Other variant(s) that disrupt this residue have been determined to be pathogenic (PMID: 19889647, 22492563, 22926664, 24473995, 26801520). This suggests that this residue is clinically significant, and that variants that disrupt this residue are likely to be disease-causing. In summary, the currently available evidence indicates that the variant is pathogenic, but additional data are needed to prove that conclusively. Therefore, this variant has been classified as Likely Pathogenic.

GeneDx
Classification: Likely pathogenic. Last evaluated: 2025-03-25. Review status: criteria provided, single submitter. Criteria: GeneDx Variant Classification Process June 2021. Collection method: clinical testing. Allele origin: germline. Affected: yes.
Comment: Not observed at significant frequency in large population cohorts (gnomAD); In silico analysis supports that this missense variant has a deleterious effect on protein structure/function; This variant is associated with the following publications: (PMID: 16835246)

Athena Diagnostics
Classification: Uncertain significance. Last evaluated: 2020-11-17. Review status: criteria provided, single submitter. Criteria: Athena Diagnostics criteria. Collection method: clinical testing. Allele origin: unknown.

CeGaT Center for Human Genetics Tuebingen
Classification: Pathogenic. Last evaluated: 2019-07-01. Review status: criteria provided, single submitter. Criteria: CeGaT Center For Human Genetics Tuebingen Variant Classification Criteria Version 2. Collection method: clinical testing. Allele origin: germline. Affected: yes. Observed: 1 variant allele.

Inherited Neuropathy Consortium
Classification: Uncertain significance for Charcot-Marie-Tooth disease. Review status: no assertion criteria provided. Collection method: literature only. Allele origin: germline. Affected: yes. Not counted in ClinVar's aggregate classification.

Literature cited by the submitters: PubMed 16835246 (cited by 3 submitters); PubMed 19889647 (cited by Labcorp Genetics (formerly Invitae), Labcorp); PubMed 22492563 (cited by Labcorp Genetics (formerly Invitae), Labcorp); PubMed 22926664 (cited by Labcorp Genetics (formerly Invitae), Labcorp); PubMed 24473995 (cited by Labcorp Genetics (formerly Invitae), Labcorp); PubMed 26801520 (cited by Labcorp Genetics (formerly Invitae), Labcorp); PubMed 27863451 (cited by Athena Diagnostics).

NM_014874.4(MFN2):c.1127T>C (p.Met376Thr)

Gene: MFN2 (mitofusin 2; plus strand). Cytogenetic location: 1p36.22.
Variant type: single nucleotide variant.
Coding change: c.1127T>C on transcript NM_014874.4 (MANE Select); coding-DNA position 1127, T replaced by C.
Protein change: p.Met376Thr; replaces methionine 376 with threonine.
Molecular consequence: missense variant.
Genome position (GRCh38, 1-based): chr1:12,002,070, T>C. VCF-style: chr1-12002070-T-C. GRCh37 (hg19) VCF-style: chr1-12062127-T-C.
Other names: c.1127T>C, p.Met376Thr (NM_001127660.2); short protein forms M376T.
Identifiers: ClinVar variation 637733 (VCV000637733.52), dbSNP rs1569854342, ClinGen allele CA338443173.